The following is an entry in ClinVar:

ClinVar aggregate classification (germline): Uncertain significance. Review status: criteria provided, multiple submitters, no conflicts (2 of 4 stars). 2 submissions from 2 submitters: Uncertain significance (2). Last evaluated 2025-11-04.

Conditions:
MYH7-related skeletal myopathy. Also called: Myopathy, distal, 1; Laing distal myopathy; Laing early-onset distal myopathy; MYOPATHY, DISTAL, EARLY-ONSET, AUTOSOMAL DOMINANT; MYOPATHY, LATE DISTAL HEREDITARY. Identifiers: Orphanet 59135, MedGen C4552004, MONDO:0008050, OMIM 160500.
Cardiomyopathy (CMYO). Also called: Cardiomyopathies. Identifiers: Orphanet 167848, MedGen C0878544, MONDO:0004994, HP:0001638. Inheritance: Various modes of inheritance.

Submissions (2):

Genetics and Genomic Medicine Centre, NeuroGen Healthcare, NeuroGen Healthcare
Classification: Uncertain significance for MYH7-related skeletal myopathy. Last evaluated: 2025-11-04. Review status: criteria provided, single submitter. Criteria: ACMG Guidelines, 2015. Collection method: clinical testing. Allele origin: unknown. Affected: yes.

All of Us Research Program, National Institutes of Health
Classification: Uncertain significance for Cardiomyopathy. Last evaluated: 2023-12-18. Review status: criteria provided, single submitter. Criteria: ACMG Guidelines, 2015. Collection method: clinical testing. Allele origin: germline. Inheritance: Autosomal dominant inheritance. Observed: 1 variant allele, 1 heterozygote.
Comment: This missense variant replaces valine with leucine at codon 1593 of the MYH7 protein. Computational prediction tools indicate that this variant has a neutral impact on protein structure and function. To our knowledge, functional studies have not been reported for this variant. This variant has not been reported in individuals affected with MYH7-related disorders in the literature. This variant has not been identified in the general population by the Genome Aggregation Database (gnomAD). The available evidence is insufficient to determine the role of this variant in disease conclusively. Therefore, this variant is classified as a Variant of Uncertain Significance.

This study involves interpretation of variants in research participants for the purpose of population health screening. Participant phenotype was not available at the time of variant classification. Additional details can be found in publication PMID: 35346344, PMCID: PMC8962531

NM_000257.4(MYH7):c.4777G>T (p.Val1593Leu)

Genes: MHRT (myosin heavy chain associated RNA transcript; plus strand), MYH7 (myosin heavy chain 7; minus strand), LOC126861897 (BRD4-independent group 4 enhancer GRCh37_chr14:23884455-23885654; plus strand). Cytogenetic location: 14q11.2.
Variant type: single nucleotide variant.
Coding change: c.4777G>T on transcript NM_000257.4 (MANE Select); coding-DNA position 4777, G replaced by T.
Protein change: p.Val1593Leu; replaces valine 1593 with leucine.
Molecular consequence: missense variant. On other transcripts: non-coding transcript variant (1).
Genome position (GRCh38, 1-based): chr14:23,416,180, C>A on the plus strand (G>T on the coding strand, the complement: MYH7 is on the minus strand). VCF-style: chr14-23416180-C-A. GRCh37 (hg19) VCF-style: chr14-23885389-C-A.
Other names: c.4777G>T, p.Val1593Leu (NM_001407004.1); short protein forms V1593L.
Identifiers: ClinVar variation 3075186 (VCV003075186.2), dbSNP rs2502245284, ClinGen allele CA389037652.
Genomic context (GRCh38, chr14:23,416,180, plus strand): 5'-TCAGGGCCTCGTTGCGGCTGCGTGTCTCTGCGTCCAGGGAGGTCTGCAGCGAGTCCACCA[C>A]CCGCAGGTGGTTGCGCTTGGCCTGTTCCATCTCCTCGTCCTTCTCTGCCAGCTTCCGCTC-3'
Protein context (NP_000248.2, residues 1583-1603): MEQAKRNHLR[Val1593Leu]VDSLQTSLDA